The following is an entry in ClinVar:

NM_003611.3(OFD1):c.2290A>C (p.Ser764Arg)

Gene: OFD1 (OFD1 centriole and centriolar satellite protein; plus strand). Cytogenetic location: Xp22.2.
Variant type: single nucleotide variant.
Coding change: c.2290A>C on transcript NM_003611.3 (MANE Select); coding-DNA position 2290, A replaced by C.
Protein change: p.Ser764Arg; replaces serine 764 with arginine.
Molecular consequence: missense variant.
Genome position (GRCh38, 1-based): chrX:13,761,114, A>C. VCF-style: chrX-13761114-A-C. GRCh37 (hg19) VCF-style: chrX-13779233-A-C.
Other names: c.2170A>C, p.Ser724Arg (NM_001330209.2); c.1870A>C, p.Ser624Arg (NM_001330210.2); short protein forms S624R, S724R, S764R.
Identifiers: ClinVar variation 1715887 (VCV001715887.6), dbSNP rs1202531074, ClinGen allele CA412344926.

ClinVar aggregate classification (germline): Uncertain significance (1 of 4 stars; one submission).

Conditions:
Joubert syndrome. Also called: CEREBELLOPARENCHYMAL DISORDER IV; JOUBERT-BOLTSHAUSER SYNDROME; Familial aplasia of the vermis. Identifiers: Orphanet 475, MedGen C5979921, MONDO:0018772.
Orofaciodigital syndrome I (OFD1). Also called: OFDS I; Papillon-Leage and Psaume Syndrome; Oral-Facial-Digital Syndrome Type I. Identifiers: Orphanet 2750, MedGen C1510460, MONDO:0010702, OMIM 311200.

Submission:

Labcorp Genetics (formerly Invitae), Labcorp
Classification: Uncertain significance for Orofaciodigital syndrome I; Joubert syndrome. Last evaluated: 2022-08-09. Review status: criteria provided, single submitter. Criteria: Invitae Variant Classification Sherloc (09022015). Collection method: clinical testing. Allele origin: germline.
Comment: In summary, the available evidence is currently insufficient to determine the role of this variant in disease. Therefore, it has been classified as a Variant of Uncertain Significance. Algorithms developed to predict the effect of sequence changes on RNA splicing suggest that this variant may create or strengthen a splice site. Algorithms developed to predict the effect of missense changes on protein structure and function are either unavailable or do not agree on the potential impact of this missense change (SIFT: "Deleterious"; PolyPhen-2: "Benign"; Align-GVGD: "Class C0"). This variant has not been reported in the literature in individuals affected with OFD1-related conditions. This variant is not present in population databases (gnomAD no frequency). This sequence change replaces serine, which is neutral and polar, with arginine, which is basic and polar, at codon 764 of the OFD1 protein (p.Ser764Arg).